The following is an entry in ClinVar:

ClinVar aggregate classification (germline): Benign. Review status: criteria provided, multiple submitters, no conflicts (2 of 4 stars). 2 submissions from 2 submitters: Benign (2). Last evaluated 2020-07-15.

Allele frequency attached by ClinVar (database versions not stated): ESP Exome Variant Server 0.00046; gnomAD exomes 0.00151 and 0.00471; gnomAD 0.00167 and 0.00239; TOPMed 0.00282; ExAC 0.00439; 1000 Genomes Project 30x 0.01296; 1000 Genomes Project 0.01338.

Submissions (2):

GeneDx
Classification: Benign. Last evaluated: 2020-07-15. Review status: criteria provided, single submitter. Criteria: GeneDx Variant Classification Process June 2021. Collection method: clinical testing. Allele origin: germline. Affected: yes.
Comment: This variant is associated with the following publications: (PMID: 23649425)

Breakthrough Genomics
Classification: Benign. Review status: criteria provided, single submitter. Criteria: ACMG Guidelines, 2015. Collection method: not provided. Allele origin: germline. Inheritance: Unknown mechanism. Affected: yes.

NM_004254.4(SLC22A8):c.913A>T (p.Ile305Phe)

Gene: SLC22A8 (solute carrier family 22 member 8; minus strand). Cytogenetic location: 11q12.3.
Variant type: single nucleotide variant.
Coding change: c.913A>T on transcript NM_004254.4 (MANE Select); coding-DNA position 913, A replaced by T.
Protein change: p.Ile305Phe; replaces isoleucine 305 with phenylalanine.
Molecular consequence: missense variant.
Genome position (GRCh38, 1-based): chr11:62,995,792, T>A on the plus strand (A>T on the coding strand, the complement: SLC22A8 is on the minus strand). VCF-style: chr11-62995792-T-A. GRCh37 (hg19) VCF-style: chr11-62763264-T-A.
Other names: c.913A>T, p.Ile305Phe (NM_001184732.2); c.640A>T, p.Ile214Phe (NM_001184733.2); c.544A>T, p.Ile182Phe (NM_001184736.2); short protein forms I182F, I214F, I305F.
Identifiers: ClinVar variation 1232453 (VCV001232453.4), dbSNP rs11568482, ClinGen allele CA6059770.